The following is an entry in ClinVar:

ClinVar aggregate classification (germline): Uncertain significance (1 of 4 stars; one submission).

Submission:

Ambry Genetics
Classification: Uncertain significance. Last evaluated: 2024-09-15. Review status: criteria provided, single submitter. Criteria: Ambry Variant Classification Scheme 2023. Collection method: clinical testing. Allele origin: germline.
Comment: The p.G206R variant (also known as c.616G>C), located in coding exon 1 of the EGLN1 gene, results from a G to C substitution at nucleotide position 616. The glycine at codon 206 is replaced by arginine, an amino acid with dissimilar properties. This amino acid position is conserved. In addition, the in silico prediction for this alteration is inconclusive. Based on the available evidence, the clinical significance of this variant remains unclear.

NM_022051.3(EGLN1):c.616G>C (p.Gly206Arg)

Gene: EGLN1 (egl-9 family hypoxia inducible factor 1; minus strand). Cytogenetic location: 1q42.2.
Variant type: single nucleotide variant.
Coding change: c.616G>C on transcript NM_022051.3 (MANE Select); coding-DNA position 616, G replaced by C.
Protein change: p.Gly206Arg; replaces glycine 206 with arginine.
Molecular consequence: missense variant.
Genome position (GRCh38, 1-based): chr1:231,421,273, C>G on the plus strand (G>C on the coding strand, the complement: EGLN1 is on the minus strand). VCF-style: chr1-231421273-C-G. GRCh37 (hg19) VCF-style: chr1-231557019-C-G.
Other names: c.616G>C, p.Gly206Arg (NM_001377260.1, NM_001377261.1); short protein forms G206R.
Identifiers: ClinVar variation 3507223 (VCV003507223.1).
Genomic context (GRCh38, chr1:231,421,273, plus strand): 5'-CCTCGTCGCCGATCTGCTGTCCGGTCTCCTTGCCGAGGAAGTCGTCCACCACACAGATGC[C>G]GTGCTTGTTCATGCACGGCACGATGTACTCGAGCGCCAGCTTCAGCGCCGGCAGGGGCTT-3'
Protein context (NP_071334.1, residues 196-216): EYIVPCMNKH[Gly206Arg]ICVVDDFLGK